The following is an entry in ClinVar:

NM_003265.3(TLR3):c.1987G>A (p.Glu663Lys)

Gene: TLR3 (toll like receptor 3; plus strand). Cytogenetic location: 4q35.1.
Variant type: single nucleotide variant.
Coding change: c.1987G>A on transcript NM_003265.3 (MANE Select); coding-DNA position 1987, G replaced by A.
Protein change: p.Glu663Lys; replaces glutamic acid 663 with lysine.
Molecular consequence: missense variant.
Genome position (GRCh38, 1-based): chr4:186,083,673, G>A. VCF-style: chr4-186083673-G-A. GRCh37 (hg19) VCF-style: chr4-187004827-G-A.
Other names: short protein forms E663K.
Identifiers: ClinVar variation 842830 (VCV000842830.12), dbSNP rs1005040113, ClinGen allele CA112098740.

ClinVar aggregate classification (germline): Conflicting classifications of pathogenicity. Review status: criteria provided, conflicting classifications (1 of 4 stars). 3 submissions from 3 submitters: Uncertain significance (2); Likely benign (1). Last evaluated 2025-03-09.

Conditions:
Susceptibility to HIV infection. Also called: HUMAN IMMUNODEFICIENCY VIRUS TYPE 1, RESISTANCE TO; HIV-1, SUSCEPTIBILITY TO; Human immunodeficiency virus type 1, susceptibility to. Identifiers: MedGen C1836230, MONDO:0004951, OMIM 609423.
Immunodeficiency 83, susceptibility to viral infections. Identifiers: Orphanet 1930, MedGen C2751803, MONDO:0800187, OMIM 613002.
Encephalopathy, acute, infection-induced (herpes-specific), susceptibility to, 1. Also called: Herpes simplex encephalitis, susceptibility to, 1. Identifiers: Orphanet 1930, MedGen C2750180, MONDO:0024563, OMIM 610551.

Allele frequency attached by ClinVar (database versions not stated): gnomAD exomes 0.00001; TOPMed 0.00005; gnomAD 0.00006 and 0.00007.
gnomAD v4.1: 25 of 1,598,214 alleles (0.0016%); highest among the groups gnomAD compares: Middle Eastern, 0.05%; no homozygotes.

Submissions (3):

Labcorp Genetics (formerly Invitae), Labcorp
Classification: Uncertain significance for Encephalopathy, acute, infection-induced (herpes-specific), susceptibility to, 1. Last evaluated: 2025-03-09. Review status: criteria provided, single submitter. Criteria: Invitae Variant Classification Sherloc (09022015). Collection method: clinical testing. Allele origin: germline.
Comment: This sequence change replaces glutamic acid, which is acidic and polar, with lysine, which is basic and polar, at codon 663 of the TLR3 protein (p.Glu663Lys). The frequency data for this variant in the population databases is considered unreliable, as metrics indicate poor data quality at this position in the gnomAD database. This variant has not been reported in the literature in individuals affected with TLR3-related conditions. ClinVar contains an entry for this variant (Variation ID: 842830). An algorithm developed to predict the effect of missense changes on protein structure and function outputs the following: PolyPhen-2: "Benign". The lysine amino acid residue is found in multiple mammalian species, which suggests that this missense change does not adversely affect protein function. In summary, the available evidence is currently insufficient to determine the role of this variant in disease. Therefore, it has been classified as a Variant of Uncertain Significance.

Fulgent Genetics
Classification: Uncertain significance for Susceptibility to HIV infection; Immunodeficiency 83, susceptibility to viral infections. Last evaluated: 2024-01-19. Review status: criteria provided, single submitter. Criteria: ACMG Guidelines, 2015. Collection method: clinical testing. Allele origin: germline.

Ambry Genetics
Classification: Likely benign. Last evaluated: 2023-03-02. Review status: criteria provided, single submitter. Criteria: Ambry Variant Classification Scheme 2023. Collection method: clinical testing. Allele origin: germline.